The following is an entry in ClinVar:

ClinVar aggregate classification (germline): Uncertain significance. Review status: criteria provided, multiple submitters, no conflicts (2 of 4 stars). 2 submissions from 2 submitters: Uncertain significance (2). Last evaluated 2024-11-13.

Conditions:
Cardiovascular phenotype. Identifiers: MedGen CN230736.

Submissions (2):

Ambry Genetics
Classification: Uncertain significance for Cardiovascular phenotype. Last evaluated: 2024-11-13. Review status: criteria provided, single submitter. Criteria: Ambry Variant Classification Scheme 2023. Collection method: clinical testing. Allele origin: germline.
Comment: The p.V2466L variant (also known as c.7396G>C), located in coding exon 20 of the TNXB gene, results from a G to C substitution at nucleotide position 7396. The valine at codon 2466 is replaced by leucine, an amino acid with highly similar properties. This amino acid position is conserved. In addition, this alteration is predicted to be tolerated by in silico analysis. Since supporting evidence is limited at this time, the clinical significance of this alteration remains unclear.

Mayo Clinic Laboratories, Mayo Clinic
Classification: Uncertain significance. Last evaluated: 2023-06-13. Review status: criteria provided, single submitter. Criteria: ACMG Guidelines, 2015. Collection method: clinical testing. Allele origin: germline. Observed: 1 variant allele.
Comment: BP4, PM2_supporting

NM_001365276.2(TNXB):c.7396G>C (p.Val2466Leu)

Gene: TNXB (tenascin XB; minus strand). Cytogenetic location: 6p21.33.
Variant type: single nucleotide variant.
Coding change: c.7396G>C on transcript NM_001365276.2 (MANE Select); coding-DNA position 7396, G replaced by C.
Protein change: p.Val2466Leu; replaces valine 2466 with leucine.
Molecular consequence: missense variant.
Genome position (GRCh38, 1-based): chr6:32,061,493, C>G on the plus strand (G>C on the coding strand, the complement: TNXB is on the minus strand). VCF-style: chr6-32061493-C-G. GRCh37 (hg19) VCF-style: chr6-32029270-C-G.
Other names: p.Val2466Leu; c.7396G>C, p.Val2466Leu (NM_019105.8); short protein forms V2466L.
Identifiers: ClinVar variation 1758680 (VCV001758680.4), dbSNP rs369070722, ClinGen allele CA363552503.